The following is an entry in ClinVar:

ClinVar aggregate classification (germline): Likely benign (1 of 4 stars; one submission).

Allele frequency attached by ClinVar (database versions not stated): gnomAD exomes below 0.00001.

Submission:

CeGaT Center for Human Genetics Tuebingen
Classification: Likely benign. Last evaluated: 2026-05-01. Review status: criteria provided, single submitter. Criteria: CeGaT Center For Human Genetics Tuebingen Variant Classification Criteria Version 2. Collection method: clinical testing. Allele origin: germline. Affected: yes. Observed: 3 variant alleles.
Comment: GIPC3: BP4, BP7

NM_133261.3(GIPC3):c.*737T>C

Gene: GIPC3 (GIPC PDZ domain containing family member 3; plus strand). Cytogenetic location: 19p13.3.
Variant type: single nucleotide variant.
Coding change: c.*737T>C on transcript NM_133261.3 (MANE Select); 737 bases downstream of the stop codon, T replaced by C.
Molecular consequence: 3 prime UTR variant. On other transcripts: synonymous variant (1).
Genome position (GRCh38, 1-based): chr19:3,590,927, T>C. VCF-style: chr19-3590927-T-C. GRCh37 (hg19) VCF-style: chr19-3590925-T-C.
Other names: c.1689T>C, p.Thr563= (NM_001411144.1).
Identifiers: ClinVar variation 2648997 (VCV002648997.24), dbSNP rs1446465964, ClinGen allele CA881801293.